The following is an entry in ClinVar:

ClinVar aggregate classification (germline): Likely pathogenic (1 of 4 stars; one submission).

Submission:

GeneDx
Classification: Likely pathogenic. Last evaluated: 2019-04-12. Review status: criteria provided, single submitter. Criteria: GeneDx Variant Classification Process June 2021. Collection method: clinical testing. Allele origin: germline. Affected: yes.
Comment: Frameshift variant predicted to result in protein truncation or nonsense mediated decay in a gene for which loss-of-function is a known mechanism of disease; Not observed in large population cohorts (Lek et al., 2016); This variant is associated with the following publications: (PMID: 31589614)

NM_144508.5(KNL1):c.5542_5543del (p.Gln1848fs)

Gene: KNL1 (kinetochore scaffold 1; plus strand). Cytogenetic location: 15q15.1.
Variant type: Microsatellite.
Coding change: c.5542_5543del on transcript NM_144508.5 (MANE Select); coding-DNA positions 5542 to 5543, 2 bases deleted (CA; older notation c.5542_5543delCA).
Protein change: p.Gln1848fs; shifts the reading frame from glutamine 1848.
Molecular consequence: frameshift variant.
Genome position (GRCh38, 1-based): chr15:40,628,637-40,628,638, CA deleted; deleting any 2 consecutive bases within chr15:40,628,635-40,628,638 gives the same sequence; the c. name uses the placement nearest the transcript's 3' end. VCF-style (leftmost placement, unchanged base first): chr15-40628634-TCA-T. GRCh37 (hg19) VCF-style: chr15-40920832-TCA-T.
Other names: c.5620_5621del, p.Gln1874fs (NM_170589.5); c.5620_5621delCA (NM_170589.3); short protein forms Q1848fs, Q1874fs.
Identifiers: ClinVar variation 422642 (VCV000422642.3), dbSNP rs1064795910, ClinGen allele CA16619923.
Genomic context (GRCh38, chr15:40,628,634, plus strand): 5'-TTGACTTGTTCGTCACCAGAATTTGCTTTACTTCTAGCTTACCGCAGTAGTCAAATGGAA[TCA>T]CAGTTTCTCAGAGATACTATTTGTGAAGAGAGCTTGAGGGAGGTATGTTAAAATTCTTTT-3'